The following is an entry in ClinVar:

ClinVar aggregate classification (germline): Benign (1 of 4 stars; one submission).

gnomAD v4.1: 1,264 of 1,614,162 alleles (0.078%); highest among the groups gnomAD compares: Admixed American, 0.21%; 1 homozygote.

Submission:

CeGaT Center for Human Genetics Tuebingen
Classification: Benign. Last evaluated: 2025-04-01. Review status: criteria provided, single submitter. Criteria: CeGaT Center For Human Genetics Tuebingen Variant Classification Criteria Version 2. Collection method: clinical testing. Allele origin: germline. Affected: yes. Observed: 2 variant alleles.
Comment: TLN2: BS1, BS2

NM_015059.3(TLN2):c.7075G>A (p.Ala2359Thr)

Genes: TLN2 (talin 2; plus strand), TLN2-AS3 (TLN2 antisense RNA 3; minus strand). Cytogenetic location: 15q22.2.
Variant type: single nucleotide variant.
Coding change: c.7075G>A on transcript NM_015059.3 (MANE Select); coding-DNA position 7075, G replaced by A.
Protein change: p.Ala2359Thr; replaces alanine 2359 with threonine.
Molecular consequence: missense variant.
Genome position (GRCh38, 1-based): chr15:62,833,576, G>A. VCF-style: chr15-62833576-G-A. GRCh37 (hg19) VCF-style: chr15-63125775-G-A.
Other names: c.7075G>A, p.Ala2359Thr (NM_001394547.1); short protein forms A2359T.
Identifiers: ClinVar variation 3387866 (VCV003387866.14).
Genomic context (GRCh38, chr15:62,833,576, plus strand): 5'-ACCCTGGACTTTGAGGAACAGATCTTGGAAGCTGCTAAATCCATTGCTGCTGCCACAAGC[G>A]CCCTGGTCAAATCGGCCTCAGCAGCCCAGAGGGAGCTGGTGGCCCAAGGAAAGGTGGGTA-3'
Protein context (NP_055874.2, residues 2349-2369): AAKSIAAATS[Ala2359Thr]LVKSASAAQR